The following is an entry in ClinVar:

ClinVar aggregate classification (germline): Uncertain significance (1 of 4 stars; one submission).

Allele frequency attached by ClinVar (database versions not stated): gnomAD exomes below 0.00001.
gnomAD v4.1: 4 of 1,614,196 alleles (0.00025%); highest among the groups gnomAD compares: Non-Finnish European, 0.00025%; no homozygotes.

Submission:

Labcorp Genetics (formerly Invitae), Labcorp
Classification: Uncertain significance. Last evaluated: 2023-05-23. Review status: criteria provided, single submitter. Criteria: Invitae Variant Classification Sherloc (09022015). Collection method: clinical testing. Allele origin: germline.
Comment: In summary, the available evidence is currently insufficient to determine the role of this variant in disease. Therefore, it has been classified as a Variant of Uncertain Significance. This sequence change replaces glutamic acid, which is acidic and polar, with lysine, which is basic and polar, at codon 1012 of the CFH protein (p.Glu1012Lys). This variant is not present in population databases (gnomAD no frequency). This variant has not been reported in the literature in individuals affected with CFH-related conditions. An algorithm developed to predict the effect of missense changes on protein structure and function (PolyPhen-2) suggests that this variant is likely to be disruptive. Algorithms developed to predict the effect of sequence changes on RNA splicing suggest that this variant may disrupt the consensus splice site.

NM_000186.4(CFH):c.3034G>A (p.Glu1012Lys)

Gene: CFH (complement factor H; plus strand). Cytogenetic location: 1q31.3.
Variant type: single nucleotide variant.
Coding change: c.3034G>A on transcript NM_000186.4 (MANE Select); coding-DNA position 3034, G replaced by A.
Protein change: p.Glu1012Lys; replaces glutamic acid 1012 with lysine.
Molecular consequence: missense variant.
Genome position (GRCh38, 1-based): chr1:196,741,952, G>A. VCF-style: chr1-196741952-G-A. GRCh37 (hg19) VCF-style: chr1-196711082-G-A.
Other names: short protein forms E1012K.
Identifiers: ClinVar variation 2764487 (VCV002764487.3), dbSNP rs955234498, ClinGen allele CA35812335.